The following is an entry in ClinVar:

NM_017947.4(MOCOS):c.2142T>G (p.Asn714Lys)

Gene: MOCOS (molybdenum cofactor sulfurase; plus strand). Cytogenetic location: 18q12.2.
Variant type: single nucleotide variant.
Coding change: c.2142T>G on transcript NM_017947.4 (MANE Select); coding-DNA position 2142, T replaced by G.
Protein change: p.Asn714Lys; replaces asparagine 714 with lysine.
Molecular consequence: missense variant.
Genome position (GRCh38, 1-based): chr18:36,251,261, T>G. VCF-style: chr18-36251261-T-G. GRCh37 (hg19) VCF-style: chr18-33831224-T-G.
Other names: short protein forms N714K.
Identifiers: ClinVar variation 1437589 (VCV001437589.9), dbSNP rs780328227, ClinGen allele CA8940957.

ClinVar aggregate classification (germline): Uncertain significance. Review status: criteria provided, multiple submitters, no conflicts (2 of 4 stars). 2 submissions from 2 submitters: Uncertain significance (2). Last evaluated 2024-02-28.

Conditions:
Xanthinuria type II. Also called: Xanthine dehydrogenase and aldehyde oxidase combined deficiency of; XDH and AOX dual deficiency. Identifiers: Orphanet 3467, Orphanet 93602, MedGen C1863688, MONDO:0011346, OMIM 603592.

Allele frequency attached by ClinVar (database versions not stated): TOPMed 0.00001; ExAC 0.00002.
gnomAD v4.1: 8 of 1,614,134 alleles (0.0005%); highest among the groups gnomAD compares: Admixed American, 0.0067%; no homozygotes.

Submissions (2):

Fulgent Genetics
Classification: Uncertain significance for Xanthinuria type II. Last evaluated: 2024-02-28. Review status: criteria provided, single submitter. Criteria: ACMG Guidelines, 2015. Collection method: clinical testing. Allele origin: germline.

Labcorp Genetics (formerly Invitae), Labcorp
Classification: Uncertain significance for Xanthinuria type II. Last evaluated: 2022-08-09. Review status: criteria provided, single submitter. Criteria: Invitae Variant Classification Sherloc (09022015). Collection method: clinical testing. Allele origin: germline.
Comment: This sequence change replaces asparagine, which is neutral and polar, with lysine, which is basic and polar, at codon 714 of the MOCOS protein (p.Asn714Lys). This variant is present in population databases (rs780328227, gnomAD 0.009%). This variant has not been reported in the literature in individuals affected with MOCOS-related conditions. ClinVar contains an entry for this variant (Variation ID: 1437589). Algorithms developed to predict the effect of missense changes on protein structure and function are either unavailable or do not agree on the potential impact of this missense change (SIFT: "Deleterious"; PolyPhen-2: "Benign"; Align-GVGD: "Class C0"). In summary, the available evidence is currently insufficient to determine the role of this variant in disease. Therefore, it has been classified as a Variant of Uncertain Significance.